The following continues an entry in ClinVar:

NM_000179.3(MSH6):c.3980_3983dup (p.Leu1330fs)

Gene: MSH6. ClinVar aggregate classification (germline): Pathogenic/Likely pathogenic. Pathogenic (12); Likely pathogenic (1).

Submissions 9 to 16 of 16:

Laboratory for Molecular Medicine, Mass General Brigham Personalized Medicine
Classification: Pathogenic for Lynch syndrome. Last evaluated: 2021-10-27. Review status: criteria provided, single submitter. Criteria: ACMG Guidelines, 2015. Collection method: clinical testing. Allele origin: germline. Inheritance: Autosomal dominant inheritance.
Comment: The p.Leu1330fs (c.3984_3987dupATCA) variant in MSH6 has been reported in at least 1 individual with Lynch syndrome-associated cancers (Baglietto 2010 PMID: 20028993) and in homozygous state in 1 individual with constitutional mismatch repair deficiency syndrome (CMMRD; Shapira Rootman 2020 PMID: 31730237, Toledano 2020 PMID: 31501241). Additionally, another variant at this position (c.3984_3987dupGTCA) leading to the same frameshift has been described as an Ashkenazi Jewish founder variant and has been shown to cause loss of expression of MSH6 protein (Goldberg 2010 PMID: 19851887). This variant has also been reported by other clinical laboratories in ClinVar (Variation ID 184998) and has been identified in 1/111536 European chromosomes by gnomAD. This variant is predicted to cause a frameshift, which alters the protein’s amino acid sequence beginning at position 1330 and leads to a premature termination codon 12 amino acids downstream. Although this termination codon occurs within the last exon and is more likely to escape nonsense mediated decay (NMD), the available evidence from the other Ashkenazi Jewish founder variant shows that the variant ultimately leads to loss of function. Heterozygous loss of function of the MSH6 gene is an established disease mechanism in individuals with Lynch syndrome. In summary, this variant meets criteria to be classified as pathogenic for Lynch syndrome in an autosomal dominant manner based upon the predicted impact to the protein and the presence of an established pathogenic variant with the same amino acid change. ACMG/AMP Criteria applied: PS1; PVS1_Strong, PM2_Supporting.

MGZ Medical Genetics Center
Classification: Likely pathogenic for Lynch syndrome 5. Last evaluated: 2021-07-06. Review status: criteria provided, single submitter. Criteria: ACMG Guidelines, 2015. Collection method: clinical testing. Allele origin: germline. Affected: yes. Observed: 1 variant allele.
Comment: ACMG criteria applied: PVS1, PM2_SUP

Women's Health and Genetics/Laboratory Corporation of America, LabCorp
Classification: Pathogenic for Hereditary nonpolyposis colon cancer. Last evaluated: 2021-05-01. Review status: criteria provided, single submitter. Criteria: LabCorp Variant Classification Summary - May 2015. Collection method: clinical testing. Allele origin: germline.
Comment: Variant summary: MSH6 c.3980_3983dupATCA (p.Leu1330ValfsX12) results in a premature termination codon, predicted to cause a truncation of the encoded protein or absence of the protein due to nonsense mediated decay, which are commonly known mechanisms for disease. Truncations downstream of this position have been classified as pathogenic by our laboratory. The variant allele was found at a frequency of 4e-06 in 246946 control chromosomes. c.3980_3983dupATCA has been reported in the literature in multiple individuals affected with Lynch syndrome and features of CMMRD (constitutional mismatch repair deficiency) (example, Baglietto_2010, Gardes_2012, Epsenschied_2017, Toledano_2019, Rootman_2020, Dong_2020). These data indicate that the variant is very likely to be associated with disease. Six clinical diagnostic laboratories have submitted clinical-significance assessments for this variant to ClinVar after 2014 without evidence for independent evaluation. All laboratories classified the variant as pathogenic. Based on the evidence outlined above, the variant was classified as pathogenic.

CeGaT Center for Human Genetics Tuebingen
Classification: Pathogenic. Last evaluated: 2019-07-01. Review status: criteria provided, single submitter. Criteria: CeGaT Center For Human Genetics Tuebingen Variant Classification Criteria Version 2. Collection method: clinical testing. Allele origin: germline. Affected: yes. Observed: 1 variant allele.

Department of Pathology and Laboratory Medicine, Sinai Health System
Classification: Pathogenic for Mismatch repair cancer syndrome 3. Last evaluated: 2017-07-10. Review status: criteria provided, single submitter. Criteria: ACMG Guidelines, 2015. Collection method: clinical testing. Allele origin: germline. Affected: yes.

Laboratory for Genotyping Development, RIKEN
Classification: Pathogenic for Gastric cancer. Last evaluated: 2021-07-01. Review status: no assertion criteria provided. Collection method: research. Allele origin: germline. Not counted in ClinVar's aggregate classification.

Department of Pathology and Laboratory Medicine, Sinai Health System
Classification: Pathogenic for Carcinoma of colon. Review status: no assertion criteria provided. Collection method: clinical testing. Allele origin: unknown. Affected: yes. Observed: 1 variant allele. Study: The Canadian Open Genetics Repository (COGR). Not counted in ClinVar's aggregate classification.
Comment: The MSH6 p.Leu1330ValfsX12 variant was identified in 3 of 69962 proband chromosomes (frequency: 0.00004) from individuals or families with lynch syndrome (Espenschied 2017). The variant was also identified in dbSNP (ID: rs786204180) as N/A, ClinVar (classified as pathogenic by Ambry Genetics, Invitae, GenDxl; classified as likely pathogenic by Mayo Clinic), Clinvitae (classified as pathogenic by ClinVar and Invitae), databases. The variant was not identified in UMD-LSDB, Insight Colon Cancer Gene Variant Database, Zhejiang Colon Cancer Database, Mismatch Repair Genes Variant Database, Insight Hereditary Tumors Database, databases. The variant was not identified in the 1000 Genomes Project, the NHLBI GO Exome Sequencing Project or the Exome Aggregation Consortium (August 8th 2016) control databases. The c.3980_3983dup variant is predicted to cause a frameshift, which alters the protein's amino acid sequence beginning at codon 1330 and leads to a premature stop codon at position 1341. This alteration is then predicted to result in a truncated or absent protein and loss of function. Loss of function variants of the MSH6 gene are an established mechanism of disease in Lynch syndrome and this is the type of variant expected to cause the disorder. In summary, based on the above information, this variant meets our laboratoryâ€šÃ„Ã´s criteria to be classified as pathogenic.

Mayo Clinic Laboratories, Mayo Clinic
Classification: Likely pathogenic. Review status: no assertion criteria provided. Collection method: research. Allele origin: unknown. Observed: 2 variant alleles. Not counted in ClinVar's aggregate classification.

Literature cited by the submitters: PubMed 14520694 (cited by Labcorp Genetics (formerly Invitae), Labcorp and Color Diagnostics, LLC DBA Color Health); PubMed 19851887 (cited by 4 submitters); PubMed 20028993 (cited by 4 submitters); PubMed 24440087 (cited by 3 submitters); PubMed 34445333 (cited by Institute for Genomic Medicine (IGM) Clinical Laboratory, Nationwide Children's Hospital); PubMed 31501241 (cited by 3 submitters); PubMed 31730237 (cited by 4 submitters); PubMed 32030746 (cited by Institute for Genomic Medicine (IGM) Clinical Laboratory, Nationwide Children's Hospital and Women's Health and Genetics/Laboratory Corporation of America, LabCorp); PubMed 22250089 (cited by 3 submitters); PubMed 39175077 (cited by Quest Diagnostics Nichols Institute San Juan Capistrano); PubMed 39102164 (cited by Quest Diagnostics Nichols Institute San Juan Capistrano); PubMed 38201524 (cited by Quest Diagnostics Nichols Institute San Juan Capistrano); PubMed 36845387 (cited by Quest Diagnostics Nichols Institute San Juan Capistrano); PubMed 32844218 (cited by Quest Diagnostics Nichols Institute San Juan Capistrano); PubMed 32546831 (cited by Quest Diagnostics Nichols Institute San Juan Capistrano); PubMed 29922827 (cited by Quest Diagnostics Nichols Institute San Juan Capistrano); PubMed 29625052 (cited by Quest Diagnostics Nichols Institute San Juan Capistrano); PubMed 28514183 (cited by 3 submitters); PubMed 36699461 (cited by Quest Diagnostics Nichols Institute San Juan Capistrano); PubMed 35346574 (cited by Quest Diagnostics Nichols Institute San Juan Capistrano); PubMed 36230473 (cited by Quest Diagnostics Nichols Institute San Juan Capistrano); PubMed 38722212 (cited by Quest Diagnostics Nichols Institute San Juan Capistrano); PubMed 36988593 (cited by Laboratory for Genotyping Development, RIKEN).